The following is an entry in ClinVar:

ClinVar aggregate classification (germline): Uncertain significance. Review status: criteria provided, multiple submitters, no conflicts (2 of 4 stars). 4 submissions from 4 submitters: Uncertain significance (2). 2 of the submissions do not count toward it. Last evaluated 2025-04-28.

Conditions:
VWF-related disorder. Also called: VWF-related condition; VWF-related disorders.

Allele frequency attached by ClinVar (database versions not stated): ESP Exome Variant Server 0.00008; ExAC 0.00012; gnomAD exomes 0.00012 and 0.00022; TOPMed 0.00016; gnomAD 0.00018 and 0.00019.
gnomAD v4.1: 342 of 1,614,078 alleles (0.021%); highest among the groups gnomAD compares: Non-Finnish European, 0.028%; no homozygotes.

Submissions (4):

PreventionGenetics, part of Exact Sciences
Classification: Uncertain significance for VWF-related condition. Last evaluated: 2025-04-28. Review status: criteria provided, single submitter. Criteria: ACMG Guidelines, 2015. Collection method: clinical testing. Allele origin: germline.
Comment: The VWF c.6377T>C variant is predicted to result in the amino acid substitution p.Ile2126Thr. To our knowledge, this variant has not been reported in the literature. This variant is reported in 0.026% of alleles in individuals of European (Non-Finnish) descent in gnomAD. At this time, the clinical significance of this variant is uncertain due to the absence of conclusive functional and genetic evidence.

Quest Diagnostics Nichols Institute San Juan Capistrano
Classification: Uncertain significance. Last evaluated: 2019-10-18. Review status: criteria provided, single submitter. Criteria: Quest Diagnostics criteria. Collection method: clinical testing. Allele origin: unknown.

Clinical Genetics DNA and cytogenetics Diagnostics Lab, Erasmus MC, Erasmus Medical Center
Classification: Likely benign. Review status: no assertion criteria provided. Collection method: clinical testing. Allele origin: germline. Affected: yes. Study: VKGL Data-share Consensus. Not counted in ClinVar's aggregate classification.

Joint Genome Diagnostic Labs from Nijmegen and Maastricht, Radboudumc and MUMC+
Classification: Likely benign. Review status: no assertion criteria provided. Collection method: clinical testing. Allele origin: germline. Affected: yes. Study: VKGL Data-share Consensus. Not counted in ClinVar's aggregate classification.

Literature cited by the submitters: PubMed 23685560 (cited by Quest Diagnostics Nichols Institute San Juan Capistrano).

NM_000552.5(VWF):c.6377T>C (p.Ile2126Thr)

Gene: VWF (von Willebrand factor; minus strand). Cytogenetic location: 12p13.31.
Variant type: single nucleotide variant.
Coding change: c.6377T>C on transcript NM_000552.5 (MANE Select); coding-DNA position 6377, T replaced by C.
Protein change: p.Ile2126Thr; replaces isoleucine 2126 with threonine.
Molecular consequence: missense variant.
Genome position (GRCh38, 1-based): chr12:5,994,083, A>G on the plus strand (T>C on the coding strand, the complement: VWF is on the minus strand). VCF-style: chr12-5994083-A-G. GRCh37 (hg19) VCF-style: chr12-6103249-A-G.
Other names: short protein forms I2126T.
Identifiers: ClinVar variation 806790 (VCV000806790.16), dbSNP rs71579338, ClinGen allele CA6401999.